The following is an entry in ClinVar:

ClinVar aggregate classification (germline): Likely benign (1 of 4 stars; one submission).

Allele frequency attached by ClinVar (database versions not stated): gnomAD 0.00002; ExAC 0.00006; TOPMed 0.00003; gnomAD exomes 0.00005.
gnomAD v4.1: 53 of 1,201,421 alleles (0.0044%); highest among the groups gnomAD compares: Non-Finnish European, 0.0057%; no homozygotes.

Submission:

CeGaT Center for Human Genetics Tuebingen
Classification: Likely benign. Last evaluated: 2023-03-01. Review status: criteria provided, single submitter. Criteria: CeGaT Center For Human Genetics Tuebingen Variant Classification Criteria Version 2. Collection method: clinical testing. Allele origin: germline. Affected: yes. Observed: 1 variant allele.
Comment: LANCL3: BP4, BS2

NM_001170331.2(LANCL3):c.698-4A>G

Gene: LANCL3 (LanC like family member 3; plus strand). Cytogenetic location: Xp21.1.
Variant type: single nucleotide variant.
Coding change: c.698-4A>G on transcript NM_001170331.2 (MANE Select); 4 bases into the intron before coding-DNA position 698, A replaced by G.
Molecular consequence: intron variant.
Genome position (GRCh38, 1-based): chrX:37,659,458, A>G. VCF-style: chrX-37659458-A-G. GRCh37 (hg19) VCF-style: chrX-37518711-A-G.
Other names: c.698-4A>G (NM_198511.3).
Identifiers: ClinVar variation 2660282 (VCV002660282.24), dbSNP rs782606311, ClinGen allele CA10383397.
Genomic context (GRCh38, chrX:37,659,458, plus strand): 5'-TTCACTAAATCAAACTAGCTGTCCTCCCAATTGTGTGAATTTTATGCCTTGTTTGTTAAT[A>G]CAGGGGCAGCTCACGGCTTGTCGTCTATTCTTCAGATGCTTCTTTCTTACCATGAGCATC-3'